The following is an entry in ClinVar:

NM_002350.4(LYN):c.1129G>A (p.Glu377Lys)

Gene: LYN (LYN proto-oncogene, Src family tyrosine kinase; plus strand). Cytogenetic location: 8q12.1.
Variant type: single nucleotide variant.
Coding change: c.1129G>A on transcript NM_002350.4 (MANE Select); coding-DNA position 1129, G replaced by A.
Protein change: p.Glu377Lys; replaces glutamic acid 377 with lysine.
Molecular consequence: missense variant.
Genome position (GRCh38, 1-based): chr8:55,998,424, G>A. VCF-style: chr8-55998424-G-A. GRCh37 (hg19) VCF-style: chr8-56910983-G-A.
Other names: c.1066G>A, p.Glu356Lys (NM_001111097.3); short protein forms E356K, E377K.
Identifiers: ClinVar variation 2977587 (VCV002977587.3), dbSNP rs772832021, ClinGen allele CA4754195.

ClinVar aggregate classification (germline): Uncertain significance (1 of 4 stars; one submission).

Allele frequency attached by ClinVar (database versions not stated): ExAC 0.00002; gnomAD 0.00001; TOPMed below 0.00001.
gnomAD v4.1: 6 of 1,613,934 alleles (0.00037%); highest among the groups gnomAD compares: Admixed American, 0.0017%; no homozygotes.

Submission:

Labcorp Genetics (formerly Invitae), Labcorp
Classification: Uncertain significance. Last evaluated: 2025-12-23. Review status: criteria provided, single submitter. Criteria: Invitae Variant Classification Sherloc (09022015). Collection method: clinical testing. Allele origin: germline.
Comment: This sequence change replaces glutamic acid, which is acidic and polar, with lysine, which is basic and polar, at codon 377 of the LYN protein (p.Glu377Lys). This variant is present in population databases (rs772832021, gnomAD 0.006%). This variant has not been reported in the literature in individuals affected with LYN-related conditions. ClinVar contains an entry for this variant (Variation ID: 2977587). An algorithm developed to predict the effect of missense changes on protein structure and function (PolyPhen-2) suggests that this variant is likely to be disruptive. In summary, the available evidence is currently insufficient to determine the role of this variant in disease. Therefore, it has been classified as a Variant of Uncertain Significance.